The following is an entry in ClinVar:

ClinVar aggregate classification (germline): Likely pathogenic (1 of 4 stars; one submission).

Submission:

GeneDx
Classification: Likely pathogenic. Last evaluated: 2025-07-09. Review status: criteria provided, single submitter. Criteria: GeneDx Variant Classification Process June 2021. Collection method: clinical testing. Allele origin: germline. Affected: yes.
Comment: Not observed at significant frequency in large population cohorts (gnomAD); In silico analysis supports that this missense variant has a deleterious effect on protein structure/function; This variant is associated with the following publications: (PMID: 26427606, 24006052, 32090326, 18930999, 35074891)

NM_001165963.4(SCN1A):c.5173G>T (p.Gly1725Cys)

Genes: SCN1A (sodium voltage-gated channel alpha subunit 1; minus strand), LOC102724058 (uncharacterized LOC102724058; plus strand). Cytogenetic location: 2q24.3.
Variant type: single nucleotide variant.
Coding change: c.5173G>T on transcript NM_001165963.4 (MANE Select); coding-DNA position 5173, G replaced by T.
Protein change: p.Gly1725Cys; replaces glycine 1725 with cysteine.
Molecular consequence: missense variant. On other transcripts: non-coding transcript variant (1).
Genome position (GRCh38, 1-based): chr2:165,992,102, C>A on the plus strand (G>T on the coding strand, the complement: SCN1A is on the minus strand). VCF-style: chr2-165992102-C-A. GRCh37 (hg19) VCF-style: chr2-166848612-C-A.
Other names: c.5089G>T, p.Gly1697Cys (NM_001165964.3, NM_001353957.2, NM_001353958.2); c.5173G>T, p.Gly1725Cys (NM_001202435.3, NM_001353948.2); c.5140G>T, p.Gly1714Cys (NM_001353949.2, NM_001353950.2, NM_001353951.2 and 2 more transcripts); c.5137G>T, p.Gly1713Cys (NM_001353954.2, NM_001353955.2); c.5086G>T, p.Gly1696Cys (NM_001353960.2); c.2731G>T, p.Gly911Cys (NM_001353961.2); short protein forms G1696C, G1697C, G1713C, G1714C, G1725C, G911C.
Identifiers: ClinVar variation 4685065 (VCV004685065.1).